The following is an entry in ClinVar:

ClinVar aggregate classification (germline): Uncertain significance (1 of 4 stars; one submission).

Conditions:
Hereditary cancer-predisposing syndrome. Also called: Neoplastic Syndromes, Hereditary; Tumor predisposition; Hereditary Cancer Syndrome; Hereditary neoplastic syndrome. Identifiers: Orphanet 140162, MedGen C0027672, MeSH D009386, MONDO:0015356.

Submission:

Color Diagnostics, LLC DBA Color Health
Classification: Uncertain significance for Hereditary cancer-predisposing syndrome. Last evaluated: 2019-11-05. Review status: criteria provided, single submitter. Criteria: ACMG Guidelines, 2015. Collection method: clinical testing. Allele origin: germline.
Comment: This variant is located in the 3' untranslated region of the BRIP1 gene. Splice site prediction tools suggest that this variant may not impact RNA splicing. To our knowledge, functional studies have not been performed for this variant. This variant has not been reported in individuals affected with hereditary cancer in the literature. This variant has not been identified in the general population by the Genome Aggregation Database (gnomAD). The available evidence is insufficient to determine the role of this variant in disease conclusively. Therefore, this variant is classified as a Variant of Uncertain Significance.

NM_032043.3(BRIP1):c.*2A>T

Gene: BRIP1 (BRCA1 interacting DNA helicase 1; minus strand). Cytogenetic location: 17q23.2.
Variant type: single nucleotide variant.
Coding change: c.*2A>T on transcript NM_032043.3 (MANE Select); 2 bases downstream of the stop codon, A replaced by T.
Molecular consequence: 3 prime UTR variant.
Genome position (GRCh38, 1-based): chr17:61,683,294, T>A on the plus strand (A>T on the coding strand, the complement: BRIP1 is on the minus strand). VCF-style: chr17-61683294-T-A. GRCh37 (hg19) VCF-style: chr17-59760655-T-A.
Identifiers: ClinVar variation 923899 (VCV000923899.3), dbSNP rs2061294942, ClinGen allele CA1139665769.